The following is an entry in ClinVar:

NM_020848.4(JCAD):c.372G>A (p.Arg124=)

Gene: JCAD (junctional cadherin 5 associated; minus strand). Cytogenetic location: 10p11.23.
Variant type: single nucleotide variant.
Coding change: c.372G>A on transcript NM_020848.4 (MANE Select); coding-DNA position 372, G replaced by A.
Protein change: p.Arg124=; no amino-acid change (arginine 124 retained).
Molecular consequence: synonymous variant. On other transcripts: 5 prime UTR variant (2).
Genome position (GRCh38, 1-based): chr10:30,029,776, C>T on the plus strand (G>A on the coding strand, the complement: JCAD is on the minus strand). VCF-style: chr10-30029776-C-T. GRCh37 (hg19) VCF-style: chr10-30318705-C-T.
Other names: c.-43G>A (NM_001350001.2, NM_001350021.2); c.372G>A, p.Arg124= (NM_001350022.2).
Identifiers: ClinVar variation 788875 (VCV000788875.28), dbSNP rs41284752, ClinGen allele CA5458762.

ClinVar aggregate classification (germline): Benign/Likely benign. Review status: criteria provided, multiple submitters, no conflicts (2 of 4 stars). 3 submissions from 3 submitters: Benign (2); Likely benign (1). Last evaluated 2023-02-01.

Allele frequency attached by ClinVar (database versions not stated): 1000 Genomes Project 0.00379; 1000 Genomes Project 30x 0.00422; gnomAD 0.00499 and 0.00500; ExAC 0.00527; TOPMed 0.00529; gnomAD exomes 0.00575 and 0.00763; ESP Exome Variant Server 0.00591.
gnomAD v4.1: 11,932 of 1,614,260 alleles (0.74%); highest among the groups gnomAD compares: Middle Eastern, 1.1%; 76 homozygotes.

Submissions (3):

CeGaT Center for Human Genetics Tuebingen
Classification: Likely benign. Last evaluated: 2023-02-01. Review status: criteria provided, single submitter. Criteria: CeGaT Center For Human Genetics Tuebingen Variant Classification Criteria Version 2. Collection method: clinical testing. Allele origin: germline. Affected: yes. Observed: 1 variant allele.
Comment: JCAD: BP4, BP7, BS2

Labcorp Genetics (formerly Invitae), Labcorp
Classification: Benign. Last evaluated: 2018-07-20. Review status: criteria provided, single submitter. Criteria: Invitae Variant Classification Sherloc (09022015). Collection method: clinical testing. Allele origin: germline.

Breakthrough Genomics
Classification: Benign. Review status: criteria provided, single submitter. Criteria: ACMG Guidelines, 2015. Collection method: not provided. Allele origin: germline. Inheritance: Unknown mechanism. Affected: yes.